The following is an entry in ClinVar:

ClinVar aggregate classification (germline): Conflicting classifications of pathogenicity. Review status: criteria provided, conflicting classifications (1 of 4 stars). 4 submissions from 4 submitters: Uncertain significance (1); Likely benign (3). Last evaluated 2026-04-07.

Conditions:
Inborn genetic diseases. Identifiers: MedGen C0950123, MeSH D030342.
Fibrous dysplasia of jaw (CRBM). Also called: Cherubism. Identifiers: Orphanet 184, MedGen C0008029, MONDO:0007315, OMIM 118400.

Allele frequency attached by ClinVar (database versions not stated): gnomAD 0.00001; gnomAD exomes 0.00002 and 0.00004; TOPMed 0.00002; ExAC 0.00003.
gnomAD v4.1: 34 of 1,612,666 alleles (0.0021%); highest among the groups gnomAD compares: East Asian, 0.036%; no homozygotes.

Submissions (4):

Women's Health and Genetics/Laboratory Corporation of America, LabCorp
Classification: Likely benign. Last evaluated: 2026-04-07. Review status: criteria provided, single submitter. Criteria: LabCorp Variant Classification Summary - May 2015. Collection method: clinical testing. Allele origin: germline.

Ambry Genetics
Classification: Likely benign for Inborn genetic diseases. Last evaluated: 2025-09-24. Review status: criteria provided, single submitter. Criteria: Ambry Variant Classification Scheme 2023. Collection method: clinical testing. Allele origin: germline.

Labcorp Genetics (formerly Invitae), Labcorp
Classification: Uncertain significance for Fibrous dysplasia of jaw. Last evaluated: 2024-05-22. Review status: criteria provided, single submitter. Criteria: Invitae Variant Classification Sherloc (09022015). Collection method: clinical testing. Allele origin: germline.
Comment: This sequence change replaces alanine, which is neutral and non-polar, with threonine, which is neutral and polar, at codon 288 of the SH3BP2 protein (p.Ala288Thr). This variant is present in population databases (rs756606586, gnomAD 0.02%). This variant has not been reported in the literature in individuals affected with SH3BP2-related conditions. ClinVar contains an entry for this variant (Variation ID: 664533). Advanced modeling of protein sequence and biophysical properties (such as structural, functional, and spatial information, amino acid conservation, physicochemical variation, residue mobility, and thermodynamic stability) performed at Invitae indicates that this missense variant is not expected to disrupt SH3BP2 protein function with a negative predictive value of 80%. In summary, the available evidence is currently insufficient to determine the role of this variant in disease. Therefore, it has been classified as a Variant of Uncertain Significance.

Blueprint Genetics
Classification: Likely benign. Last evaluated: 2021-09-11. Review status: criteria provided, single submitter. Criteria: ACMG Guidelines, 2015. Collection method: clinical testing. Allele origin: germline.

NM_001122681.2(SH3BP2):c.862G>A (p.Ala288Thr)

Gene: SH3BP2 (SH3 domain binding protein 2; plus strand). Cytogenetic location: 4p16.3.
Variant type: single nucleotide variant.
Coding change: c.862G>A on transcript NM_001122681.2 (MANE Select); coding-DNA position 862, G replaced by A.
Protein change: p.Ala288Thr; replaces alanine 288 with threonine.
Molecular consequence: missense variant.
Genome position (GRCh38, 1-based): chr4:2,829,768, G>A. VCF-style: chr4-2829768-G-A. GRCh37 (hg19) VCF-style: chr4-2831495-G-A.
Other names: c.862G>A, p.Ala288Thr (LRG_1334t1, NM_003023.4); c.946G>A, p.Ala316Thr (LRG_1334t2, NM_001145855.2); c.1033G>A, p.Ala345Thr (NM_001145856.2); short protein forms A288T, A316T, A345T.
Identifiers: ClinVar variation 664533 (VCV000664533.11), dbSNP rs756606586, ClinGen allele CA2819340.